The following is an entry in ClinVar:

ClinVar aggregate classification (germline): Conflicting classifications of pathogenicity. Review status: criteria provided, conflicting classifications (1 of 4 stars). 2 submissions from 2 submitters: Uncertain significance (1); Likely benign (1). Last evaluated 2025-12-27.

Conditions:
Neuroblastoma, susceptibility to, 3. Also called: ALK-Related Neuroblastic Tumor Susceptibility. Identifiers: Orphanet 635, MedGen C2751681, MONDO:0013083, OMIM 613014.
Hereditary cancer-predisposing syndrome. Also called: Hereditary Cancer Syndrome; Neoplastic Syndromes, Hereditary; Tumor predisposition; Hereditary neoplastic syndrome. Identifiers: Orphanet 140162, MedGen C0027672, MeSH D009386, MONDO:0015356.

Submissions (2):

Labcorp Genetics (formerly Invitae), Labcorp
Classification: Uncertain significance for Neuroblastoma, susceptibility to, 3. Last evaluated: 2025-12-27. Review status: criteria provided, single submitter. Criteria: Invitae Variant Classification Sherloc (09022015). Collection method: clinical testing. Allele origin: germline.
Comment: This sequence change replaces serine, which is neutral and polar, with cysteine, which is neutral and slightly polar, at codon 522 of the ALK protein (p.Ser522Cys). This variant is not present in population databases (gnomAD no frequency). This variant has not been reported in the literature in individuals affected with ALK-related conditions. ClinVar contains an entry for this variant (Variation ID: 639685). An algorithm developed to predict the effect of missense changes on protein structure and function (PolyPhen-2) suggests that this variant is likely to be disruptive. In summary, the available evidence is currently insufficient to determine the role of this variant in disease. Therefore, it has been classified as a Variant of Uncertain Significance.

Ambry Genetics
Classification: Likely benign for Hereditary cancer-predisposing syndrome. Last evaluated: 2025-01-20. Review status: criteria provided, single submitter. Criteria: Ambry Variant Classification Scheme 2023. Collection method: clinical testing. Allele origin: germline.

NM_004304.5(ALK):c.1564A>T (p.Ser522Cys)

Gene: ALK (ALK receptor tyrosine kinase; minus strand). Cytogenetic location: 2p23.2.
Variant type: single nucleotide variant.
Coding change: c.1564A>T on transcript NM_004304.5 (MANE Select); coding-DNA position 1564, A replaced by T.
Protein change: p.Ser522Cys; replaces serine 522 with cysteine.
Molecular consequence: missense variant.
Genome position (GRCh38, 1-based): chr2:29,318,387, T>A on the plus strand (A>T on the coding strand, the complement: ALK is on the minus strand). VCF-style: chr2-29318387-T-A. GRCh37 (hg19) VCF-style: chr2-29541253-T-A.
Other names: short protein forms S522C.
Identifiers: ClinVar variation 639685 (VCV000639685.9), dbSNP rs1573223126, ClinGen allele CA346471368.
Genomic context (GRCh38, chr2:29,318,387, plus strand): 5'-GTGCAGGAAACGTAGCACTGGTCACTGTAGCACTTTCAGAAGCGGGGACATCAGTGGTAC[T>A]GAGCAATAGAGCATGGTCTAGGAGAGAGGAAAAGAATCACAAGCACGCCATTATCAGGAA-3'
Protein context (NP_004295.2, residues 512-532): QDHQDHALLL[Ser522Cys]TTDVPASESA